The following is an entry in ClinVar:

ClinVar aggregate classification (germline): Likely benign (0 of 4 stars; one submission).

Conditions:
KDM4B-related disorder. Also called: KDM4B-related condition.

gnomAD v4.1: 21 of 1,584,032 alleles (0.0013%); highest among the groups gnomAD compares: East Asian, 0.012%; no homozygotes.

Submission:

PreventionGenetics, part of Exact Sciences
Classification: Likely benign for KDM4B-related condition. Last evaluated: 2023-10-03. Review status: no assertion criteria provided. Collection method: clinical testing. Allele origin: germline.
Comment: This variant is classified as likely benign based on ACMG/AMP sequence variant interpretation guidelines (Richards et al. 2015 PMID: 25741868, with internal and published modifications).

NM_015015.3(KDM4B):c.3145G>A (p.Ala1049Thr)

Gene: KDM4B (lysine demethylase 4B; plus strand). Cytogenetic location: 19p13.3.
Variant type: single nucleotide variant.
Coding change: c.3145G>A on transcript NM_015015.3 (MANE Select); coding-DNA position 3145, G replaced by A.
Protein change: p.Ala1049Thr; replaces alanine 1049 with threonine.
Molecular consequence: missense variant.
Genome position (GRCh38, 1-based): chr19:5,151,365, G>A. VCF-style: chr19-5151365-G-A. GRCh37 (hg19) VCF-style: chr19-5151376-G-A.
Other names: c.3247G>A, p.Ala1083Thr (NM_001411148.1); short protein forms A1049T, A1083T.
Identifiers: ClinVar variation 3032364 (VCV003032364.2), dbSNP rs202201915, ClinGen allele CA9108503.
Genomic context (GRCh38, chr19:5,151,365, plus strand): 5'-GCTAACCACTGTGCTTCCGCTCTCCCGCAGTCACTGAGCACGGGGGCACCGCAGGAGCCC[G>A]CCTTCTCGGGGGAGGAGGCCAAGGCCGCCAAGCGCCCGCGTGTGGGCACCCCGCTTGCCA-3'
Protein context (NP_055830.1, residues 1039-1059): SLSTGAPQEP[Ala1049Thr]FSGEEAKAAK